The following is an entry in ClinVar:

ClinVar aggregate classification (germline): Conflicting classifications of pathogenicity. Review status: criteria provided, conflicting classifications (1 of 4 stars). 3 submissions from 2 submitters: Likely pathogenic (1); Uncertain significance (2). Last evaluated 2024-09-01.

Conditions:
Hereditary spastic paraplegia 43. Also called: Spastic paraplegia 43, autosomal recessive. Identifiers: Orphanet 320370, MedGen C2680446, MONDO:0014024, OMIM 615043.
Neurodegeneration with brain iron accumulation 4 (NBIA4). Also called: MITOCHONDRIAL PROTEIN-ASSOCIATED NEURODEGENERATION. Identifiers: Orphanet 289560, MedGen C3280371, MONDO:0013674, OMIM 614298. Disease mechanism: loss of function.

Allele frequency attached by ClinVar (database versions not stated): gnomAD exomes below 0.00001.

Submissions (3):

Institute of Bioinformatics
Classification: Likely pathogenic for Neurodegeneration with brain iron accumulation 4. Last evaluated: 2024-09-01. Review status: criteria provided, single submitter. Criteria: ACMG Guidelines, 2015. Collection method: clinical testing. Allele origin: unknown. Inheritance: Autosomal recessive inheritance. Affected: yes. Observed: 1 homozygote.
Comment: The variant p.Phe51Val has a low allele frequency in gnomAD (PM2), and it is located in a mutational hotspot with seven other pathogenic or likely pathogenic variants reported nearby in exon 2 (PM1), while the gene has a low rate of benign missense mutations. In silico predictions provide mixed results, with SIFT predicting the variant as tolerated, but Polyphen-2 as possibly damaging, and both MutationTaster and Revel predicting it as deleterious (PP3). Together, this supports a likely pathogenic classification for the variant.

Neuberg Centre For Genomic Medicine, NCGM
Classification: Uncertain significance for Neurodegeneration with brain iron accumulation 4. Review status: criteria provided, single submitter. Criteria: ACMG Guidelines, 2015. Collection method: clinical testing. Allele origin: germline. Inheritance: Autosomal recessive inheritance. Affected: yes.
Comment: The missense variant c.151T>G (p.Phe51Val) has been reported in homozygous state in an individual affected with neurodegeneration with brain iron accumulation (Nagarjunakonda S. et al., 2019). The variant is novel (not in any individuals) in gnomAD Exomes and 1000 Genomes. The amino acid Phenylalanine at position 51 is changed to a Valine changing protein sequence and it might alter its composition and physico-chemical properties. In silico tools predict the variant to be tolerated. The residue is conserved across species. For these reasons, this variant has been classified as Uncertain Significance.

Neuberg Centre For Genomic Medicine, NCGM
Classification: Uncertain significance for Hereditary spastic paraplegia 43. Review status: criteria provided, single submitter. Criteria: ACMG Guidelines, 2015. Collection method: clinical testing. Allele origin: germline. Inheritance: Autosomal recessive inheritance. Affected: yes.
Comment: The observed missense c.118T>G (p.Phe40Val) variant in C19orf12 gene has not been reported previously as a pathogenic variant nor as a benign variant, to our knowledge. The p.Phe40Val variant is absent in gnomAD Exomes. This variant has not been submitted to the ClinVar database. Computational evidence (SIFT - Tolerated and MutationTaster - Disease causing) predicts conflicting evidence on protein structure and function for this variant. The reference amino acid of p.Phe40Val in C19orf12 is predicted as conserved by GERP++ and PhyloP across 100 vertebrates. The amino acid Phe at position 40 is changed to a Val changing protein sequence and it might alter its composition and physico-chemical properties. For these reasons, this variant has been classified as a Variant of Uncertain Significance (VUS).

NM_031448.6(C19orf12):c.118T>G (p.Phe40Val)

Gene: C19orf12 (chromosome 19 open reading frame 12; minus strand). Cytogenetic location: 19q12.
Variant type: single nucleotide variant.
Coding change: c.118T>G on transcript NM_031448.6 (MANE Select); coding-DNA position 118, T replaced by G.
Protein change: p.Phe40Val; replaces phenylalanine 40 with valine.
Molecular consequence: missense variant. On other transcripts: 5 prime UTR variant (1), intron variant (2).
Genome position (GRCh38, 1-based): chr19:29,708,296, A>C on the plus strand (T>G on the coding strand, the complement: C19orf12 is on the minus strand). VCF-style: chr19-29708296-A-C. GRCh37 (hg19) VCF-style: chr19-30199203-A-C.
Other names: NP_001026896.2:p.Phe51Val; c.118T>G, p.Phe40Val (NM_001031726.4, NM_001256046.3, NM_001256047.2); c.-196T>G (NM_001282931.3); c.-32-5319T>G (NM_001282929.1, NM_001282930.3); short protein forms F40V.
Identifiers: ClinVar variation 2585400 (VCV002585400.3), dbSNP rs2513299932, ClinGen allele CA405145452.